The following is an entry in ClinVar:

NM_000059.4(BRCA2):c.5793A>G (p.Gln1931=)

Gene: BRCA2 (BRCA2 DNA repair associated; plus strand). Cytogenetic location: 13q13.1.
Variant type: single nucleotide variant.
Coding change: c.5793A>G on transcript NM_000059.4 (MANE Select); coding-DNA position 5793, A replaced by G.
Protein change: p.Gln1931=; no amino-acid change (glutamine 1931 retained).
Molecular consequence: synonymous variant.
Genome position (GRCh38, 1-based): chr13:32,340,148, A>G. VCF-style: chr13-32340148-A-G. GRCh37 (hg19) VCF-style: chr13-32914285-A-G.
Identifiers: ClinVar variation 184732 (VCV000184732.28), dbSNP rs371682489, ClinGen allele CA023247.

ClinVar aggregate classification (germline): Likely benign. Review status: reviewed by expert panel (3 of 4 stars). 9 submissions from 9 submitters: Likely benign (1). 8 of the submissions do not count toward it. Last evaluated 2017-06-29.

Conditions:
BRCA2-related cancer predisposition. Identifiers: MedGen CN377758, MONDO:0700269.
Hereditary cancer-predisposing syndrome. Also called: Tumor predisposition; Hereditary Cancer Syndrome; Hereditary neoplastic syndrome; Neoplastic Syndromes, Hereditary. Identifiers: Orphanet 140162, MedGen C0027672, MeSH D009386, MONDO:0015356.
Hereditary breast ovarian cancer syndrome. Also called: Breast and ovarian cancer; Hereditary breast and ovarian cancer syndrome; Hereditary breast and ovarian cancer; BRCA1- and BRCA2-Associated Hereditary Breast and Ovarian Cancer; Hereditary breast and ovarian cancer syndrome (HBOC); Hereditary breast and/or ovarian cancer syndrome. Identifiers: Orphanet 145, MedGen C0677776, MeSH D061325, MONDO:0003582. Disease mechanism: loss of function.
Breast-ovarian cancer, familial, susceptibility to, 2 (BROVCA2). Also called: BRCA2 Hereditary Breast and Ovarian Cancer. Identifiers: Orphanet 145, MedGen C2675520, MONDO:0012933, OMIM 612555. Disease mechanism: loss of function.

Allele frequency attached by ClinVar (database versions not stated): gnomAD exomes 0.00001 and 0.00004; ExAC 0.00004; ESP Exome Variant Server 0.00008.
gnomAD v4.1: 15 of 1,613,270 alleles (0.00093%); highest among the groups gnomAD compares: East Asian, 0.027%; no homozygotes.

Submissions (9):

Evidence-based Network for the Interpretation of Germline Mutant Alleles (ENIGMA)
Classification: Likely benign for Breast-ovarian cancer, familial, susceptibility to, 2. Last evaluated: 2017-06-29. Review status: reviewed by expert panel. Criteria: ENIGMA BRCA1/2 Classification Criteria (2017-06-29). Collection method: curation. Allele origin: germline.
Comment: Synonymous substitution variant, with low bioinformatic likelihood to result in a splicing aberration (Splicing prior probability 0.02).

Labcorp Genetics (formerly Invitae), Labcorp
Classification: Likely benign for Hereditary breast ovarian cancer syndrome. Last evaluated: 2025-12-20. Review status: criteria provided, single submitter. Criteria: Invitae Variant Classification Sherloc (09022015). Collection method: clinical testing. Allele origin: germline. Not counted in ClinVar's aggregate classification.

Center for Genomic Medicine, Rigshospitalet, Copenhagen University Hospital
Classification: Likely benign. Last evaluated: 2025-03-04. Review status: criteria provided, single submitter. Criteria: ACMG Guidelines, 2015. Collection method: clinical testing. Allele origin: germline. Not counted in ClinVar's aggregate classification.

All of Us Research Program, National Institutes of Health
Classification: Likely benign for BRCA2-related cancer predisposition. Last evaluated: 2024-04-16. Review status: criteria provided, single submitter. Criteria: ACMG Guidelines, 2015. Collection method: clinical testing. Allele origin: germline. Inheritance: Autosomal dominant inheritance. Observed: 4 variant alleles, 4 heterozygotes. Not counted in ClinVar's aggregate classification.
Comment: This study involves interpretation of variants in research participants for the purpose of population health screening. Participant phenotype was not available at the time of variant classification. Additional details can be found in publication PMID: 35346344, PMCID: PMC8962531

Women's Health and Genetics/Laboratory Corporation of America, LabCorp
Classification: Likely benign. Last evaluated: 2019-08-21. Review status: criteria provided, single submitter. Criteria: LabCorp Variant Classification Summary - May 2015. Collection method: clinical testing. Allele origin: germline. Not counted in ClinVar's aggregate classification.

Color Diagnostics, LLC DBA Color Health
Classification: Likely benign for Hereditary cancer-predisposing syndrome. Last evaluated: 2018-04-05. Review status: criteria provided, single submitter. Criteria: ACMG Guidelines, 2015. Collection method: clinical testing. Allele origin: germline. Not counted in ClinVar's aggregate classification.

GeneDx
Classification: Likely benign. Last evaluated: 2018-04-02. Review status: criteria provided, single submitter. Criteria: GeneDx Variant Classification (06012015). Collection method: clinical testing. Allele origin: germline. Affected: yes. Not counted in ClinVar's aggregate classification.
Comment: This variant is considered likely benign or benign based on one or more of the following criteria: it is a conservative change, it occurs at a poorly conserved position in the protein, it is predicted to be benign by multiple in silico algorithms, and/or has population frequency not consistent with disease.

Quest Diagnostics Nichols Institute San Juan Capistrano
Classification: Likely benign. Last evaluated: 2017-08-01. Review status: criteria provided, single submitter. Criteria: Quest Diagnostics criteria. Collection method: clinical testing. Allele origin: germline. Not counted in ClinVar's aggregate classification.

Ambry Genetics
Classification: Likely benign for Hereditary cancer-predisposing syndrome. Last evaluated: 2016-06-14. Review status: criteria provided, single submitter. Criteria: Ambry Variant Classification Scheme 2023. Collection method: clinical testing. Allele origin: germline. Not counted in ClinVar's aggregate classification.

Literature cited by the submitters: PubMed 16949048 (cited by Ambry Genetics); PubMed 17100994 (cited by Ambry Genetics).